The following is an entry in ClinVar:

NM_016507.4(CDK12):c.3841C>G (p.Leu1281Val)

Gene: CDK12 (cyclin dependent kinase 12; plus strand). Cytogenetic location: 17q12.
Variant type: single nucleotide variant.
Coding change: c.3841C>G on transcript NM_016507.4 (MANE Select); coding-DNA position 3841, C replaced by G.
Protein change: p.Leu1281Val; replaces leucine 1281 with valine.
Molecular consequence: missense variant.
Genome position (GRCh38, 1-based): chr17:39,530,684, C>G. VCF-style: chr17-39530684-C-G. GRCh37 (hg19) VCF-style: chr17-37686937-C-G.
Other names: c.3814C>G, p.Leu1272Val (NM_015083.4); short protein forms L1272V, L1281V.
Identifiers: ClinVar variation 3830443 (VCV003830443.1).

ClinVar aggregate classification (germline): Uncertain significance (1 of 4 stars; one submission).

gnomAD v4.1: 1 of 1,613,688 alleles (0.000062%); highest among the groups gnomAD compares: Non-Finnish European, 0.000085%; no homozygotes.

Submission:

Ambry Genetics
Classification: Uncertain significance. Last evaluated: 2025-01-03. Review status: criteria provided, single submitter. Criteria: Ambry Variant Classification Scheme 2023. Collection method: clinical testing. Allele origin: germline.
Comment: The p.L1281V variant (also known as c.3841C>G), located in coding exon 14 of the CDK12 gene, results from a C to G substitution at nucleotide position 3841. The leucine at codon 1281 is replaced by valine, an amino acid with highly similar properties. This amino acid position is conserved. In addition, this alteration is predicted to be tolerated by in silico analysis. Based on the available evidence, the clinical significance of this variant remains unclear.